The following is an entry in ClinVar:

ClinVar aggregate classification (germline): Uncertain significance (1 of 4 stars; one submission).

Conditions:
Hereditary cancer-predisposing syndrome. Also called: Tumor predisposition; Hereditary Cancer Syndrome; Neoplastic Syndromes, Hereditary; Hereditary neoplastic syndrome. Identifiers: Orphanet 140162, MedGen C0027672, MeSH D009386, MONDO:0015356.

Submission:

Ambry Genetics
Classification: Uncertain significance for Hereditary cancer-predisposing syndrome. Last evaluated: 2019-08-15. Review status: criteria provided, single submitter. Criteria: Ambry Variant Classification Scheme 2023. Collection method: clinical testing. Allele origin: germline.
Comment: The p.R361L variant (also known as c.1082G>T), located in coding exon 8 of the BMPR1A gene, results from a G to T substitution at nucleotide position 1082. The arginine at codon 361 is replaced by leucine, an amino acid with dissimilar properties. This amino acid position is highly conserved in available vertebrate species. In addition, this alteration is predicted to be deleterious by in silico analysis. Since supporting evidence is limited at this time, the clinical significance of this alteration remains unclear.

NM_004329.3(BMPR1A):c.1082G>T (p.Arg361Leu)

Gene: BMPR1A (bone morphogenetic protein receptor type 1A; plus strand). Cytogenetic location: 10q23.2.
Variant type: single nucleotide variant.
Coding change: c.1082G>T on transcript NM_004329.3 (MANE Select); coding-DNA position 1082, G replaced by T.
Protein change: p.Arg361Leu; replaces arginine 361 with leucine.
Molecular consequence: missense variant.
Genome position (GRCh38, 1-based): chr10:86,919,385, G>T. VCF-style: chr10-86919385-G-T. GRCh37 (hg19) VCF-style: chr10-88679142-G-T.
Other names: short protein forms R361L.
Identifiers: ClinVar variation 822130 (VCV000822130.4), dbSNP rs730881436, ClinGen allele CA377460806.
Genomic context (GRCh38, chr10:86,919,385, plus strand): 5'-GTCTGTGCCACCTGCACACAGAAATTTATGGCACCCAAGGAAAGCCCGCAATTGCTCATC[G>T]AGACCTAAAGAGCAAAAACATCCTCATCAAGAAAAATGGGAGTTGCTGCATTGCTGACCT-3'
Protein context (NP_004320.2, residues 351-371): GTQGKPAIAH[Arg361Leu]DLKSKNILIK